The following is an entry in ClinVar:

NM_005045.4(RELN):c.3405_3406delinsTT (p.Gln1135_Ile1136delinsHisLeu)

Gene: RELN (reelin; minus strand). Cytogenetic location: 7q22.1.
Variant type: Indel.
Coding change: c.3405_3406delinsTT on transcript NM_005045.4 (MANE Select); coding-DNA positions 3405 to 3406, GA replaced by TT.
Protein change: p.Gln1135_Ile1136delinsHisLeu.
Molecular consequence: missense variant.
Genome position (GRCh38, 1-based): chr7:103,596,589-103,596,590, TC replaced by AA on the plus strand (GA replaced by TT on the coding strand, the reverse complement: RELN is on the minus strand). VCF-style: chr7-103596589-TC-AA. GRCh37 (hg19) VCF-style: chr7-103237036-TC-AA.
Other names: c.3405_3406delinsTT, p.Gln1135_Ile1136delinsHisLeu (NM_173054.3).
Identifiers: ClinVar variation 1475688 (VCV001475688.6), dbSNP rs2117255146, ClinGen allele CA2573141391.

ClinVar aggregate classification (germline): Uncertain significance (1 of 4 stars; one submission).

Conditions:
Familial temporal lobe epilepsy 7. Identifiers: Orphanet 101046, MedGen C4225327, MONDO:0014639, OMIM 616436.
Norman-Roberts syndrome (LIS2). Also called: Lissencephaly 2 (Norman-Roberts type). Identifiers: Orphanet 89844, MedGen C0796089, MONDO:0009760, OMIM 257320.

Submission:

Labcorp Genetics (formerly Invitae), Labcorp
Classification: Uncertain significance for Familial temporal lobe epilepsy 7; Norman-Roberts syndrome. Last evaluated: 2023-04-23. Review status: criteria provided, single submitter. Criteria: Invitae Variant Classification Sherloc (09022015). Collection method: clinical testing. Allele origin: germline.
Comment: In summary, the available evidence is currently insufficient to determine the role of this variant in disease. Therefore, it has been classified as a Variant of Uncertain Significance. Experimental studies and prediction algorithms are not available or were not evaluated, and the functional significance of this variant is currently unknown. ClinVar contains an entry for this variant (Variation ID: 1475688). This variant has not been reported in the literature in individuals affected with RELN-related conditions. Information on the frequency of this variant in the gnomAD database is not available, as this variant may be reported differently in the database. This variant, c.3405_3406delinsTT, is a complex sequence change that results in the deletion of 2 and insertion of 2 amino acid(s) in the RELN protein (p.Gln1135_Ile1136delinsHisLeu).